The following is an entry in ClinVar:

NM_032383.5(HPS3):c.2887+19dup

Genes: CP (ceruloplasmin; minus strand), HPS3 (HPS3 biogenesis of lysosomal organelles complex 2 subunit 1; plus strand). Cytogenetic location: 3q24.
Variant type: Duplication.
Coding change: c.2887+19dup on transcript NM_032383.5 (MANE Select); 19 bases into the intron after coding-DNA position 2887, one base duplicated (T; older notation c.2887+19dupT).
Molecular consequence: intron variant.
Genome position (GRCh38, 1-based): chr3:149,168,002, T duplicated; the last of 10 consecutive T bases (chr3:149,167,993-149,168,002); duplicating any one gives the same sequence. VCF-style (leftmost placement, unchanged base first): chr3-149167992-A-AT. GRCh37 (hg19) VCF-style: chr3-148885779-A-AT.
Other names: p.?; c.2392+19dup (NM_001308258.2); c.2887+19dupT (NM_032383.3, NM_032383.5).
Identifiers: ClinVar variation 343715 (VCV000343715.21), dbSNP rs397710976, ClinGen allele CA2660490.
Genomic context (GRCh38, chr3:149,167,992, plus strand): 5'-AGAATAAAATGTGGTGGAGAGAAGTATCAACTCTACCTGTCATCATTAAAAGGTAAAATG[A>AT]TTTTTTTTTTGCTTGATTATAAACTTAAGTTTCAGTTTTAAATTTGGTGAAGCCTTCTTA-3'

ClinVar aggregate classification (germline): Benign/Likely benign. Review status: criteria provided, multiple submitters, no conflicts (2 of 4 stars). 6 submissions from 6 submitters: Benign (4); Likely benign (1). 1 of the submissions does not count toward it. Last evaluated 2026-02-04.

Conditions:
Hermansky-Pudlak syndrome (HPS). Also called: ALBINISM WITH HEMORRHAGIC DIATHESIS AND PIGMENTED RETICULOENDOTHELIAL CELLS. Identifiers: Orphanet 79430, MedGen C0079504, MONDO:0019312.

Submissions (6):

Labcorp Genetics (formerly Invitae), Labcorp
Classification: Benign. Last evaluated: 2026-02-04. Review status: criteria provided, single submitter. Criteria: Invitae Variant Classification Sherloc (09022015). Collection method: clinical testing. Allele origin: germline.

Blueprint Genetics
Classification: Likely benign. Last evaluated: 2024-11-26. Review status: criteria provided, single submitter. Criteria: ACMG Guidelines, 2015. Collection method: clinical testing. Allele origin: germline.

Mayo Clinic Laboratories, Mayo Clinic
Classification: Benign. Last evaluated: 2022-09-29. Review status: criteria provided, single submitter. Criteria: ACMG Guidelines, 2015. Collection method: clinical testing. Allele origin: germline. Observed: 322 variant alleles.

GeneDx
Classification: Benign. Last evaluated: 2019-10-02. Review status: criteria provided, single submitter. Criteria: GeneDx Variant Classification Process June 2021. Collection method: clinical testing. Allele origin: germline. Affected: yes.

Laboratory for Molecular Medicine, Mass General Brigham Personalized Medicine
Classification: Benign. Last evaluated: 2016-04-25. Review status: criteria provided, single submitter. Criteria: LMM Criteria. Collection method: clinical testing. Allele origin: germline.
Comment: Variant identified in a genome or exome case(s) and assessed due to predicted null impact of the variant or pathogenic assertions in the literature or databases. Disclaimer: This variant has not undergone full assessment. The following are preliminary notes: Frequency, outside ROI

Natera, Inc.
Classification: Benign for Hermansky-Pudlak syndrome. Last evaluated: 2020-09-16. Review status: no assertion criteria provided. Collection method: clinical testing. Allele origin: germline. Not counted in ClinVar's aggregate classification.